The following is an entry in ClinVar:

ClinVar aggregate classification (germline): Uncertain significance (1 of 4 stars; one submission).

Submission:

CeGaT Center for Human Genetics Tuebingen
Classification: Uncertain significance. Last evaluated: 2026-08-01. Review status: criteria provided, single submitter. Criteria: CeGaT Center For Human Genetics Tuebingen Variant Classification Criteria Version 2. Collection method: clinical testing. Allele origin: germline. Affected: yes. Observed: 1 variant allele.
Comment: TRIM71: PM2

NM_001039111.3(TRIM71):c.1330_1345del (p.Leu444fs)

Gene: TRIM71 (tripartite motif containing 71; plus strand). Cytogenetic location: 3p22.3.
Variant type: Deletion.
Coding change: c.1330_1345del on transcript NM_001039111.3 (MANE Select); coding-DNA positions 1330 to 1345, 16 bases deleted (CTGAAGACCGTGCGGA).
Protein change: p.Leu444fs; shifts the reading frame from leucine 444.
Molecular consequence: frameshift variant.
Genome position (GRCh38, 1-based): chr3:32,890,534-32,890,549, CTGAAGACCGTGCGGA deleted. VCF-style (leftmost placement, unchanged base first): chr3-32890533-GCTGAAGACCGTGCGGA-G. GRCh37 (hg19) VCF-style: chr3-32932025-GCTGAAGACCGTGCGGA-G.
Other names: short protein forms L444fs.
Identifiers: ClinVar variation 5039676 (VCV005039676.1).